The following is an entry in ClinVar:

NM_020822.3(KCNT1):c.1996A>T (p.Ile666Phe)

Gene: KCNT1 (potassium sodium-activated channel subfamily T member 1; plus strand). Cytogenetic location: 9q34.3.
Variant type: single nucleotide variant.
Coding change: c.1996A>T on transcript NM_020822.3 (MANE Select); coding-DNA position 1996, A replaced by T.
Protein change: p.Ile666Phe; replaces isoleucine 666 with phenylalanine.
Molecular consequence: missense variant.
Genome position (GRCh38, 1-based): chr9:135,771,083, A>T. VCF-style: chr9-135771083-A-T. GRCh37 (hg19) VCF-style: chr9-138662929-A-T.
Other names: c.1861A>T, p.Ile621Phe (NM_001272003.2); short protein forms I666F, I621F.
Identifiers: ClinVar variation 422110 (VCV000422110.13), dbSNP rs376231681, ClinGen allele CA16618796.

ClinVar aggregate classification (germline): Conflicting classifications of pathogenicity. Review status: criteria provided, conflicting classifications (1 of 4 stars). 4 submissions from 3 submitters: Uncertain significance (3); Likely benign (1). Last evaluated 2024-11-04.

Conditions:
Developmental and epileptic encephalopathy, 14 (DEE14). Also called: Early infantile epileptic encephalopathy 14. Identifiers: Orphanet 293181, MedGen C3554195, MONDO:0013989, OMIM 614959.
Autosomal dominant nocturnal frontal lobe epilepsy 5. Also called: CILIARY DYSKINESIA, PRIMARY, 28, WITH SITUS INVERSUS; Epilepsy, nocturnal frontal lobe, 5; CILIARY DYSKINESIA, PRIMARY, 28, WITHOUT SITUS INVERSUS; KCNT1-Related Epilepsy. Identifiers: Orphanet 98784, MedGen C3554306, MONDO:0014002, OMIM 615005.

Allele frequency attached by ClinVar (database versions not stated): gnomAD exomes 0.00001; gnomAD 0.00003 and 0.00004; TOPMed 0.00004; ESP Exome Variant Server 0.00008.
gnomAD v4.1: 51 of 1,610,996 alleles (0.0032%); highest among the groups gnomAD compares: Non-Finnish European, 0.0039%; no homozygotes.

Submissions (4):

Labcorp Genetics (formerly Invitae), Labcorp
Classification: Likely benign for Autosomal dominant nocturnal frontal lobe epilepsy 5; Developmental and epileptic encephalopathy, 14. Last evaluated: 2024-11-04. Review status: criteria provided, single submitter. Criteria: Invitae Variant Classification Sherloc (09022015). Collection method: clinical testing. Allele origin: germline.

Genome-Nilou Lab
Classification: Uncertain significance for Developmental and epileptic encephalopathy, 14. Last evaluated: 2022-03-15. Review status: criteria provided, single submitter. Criteria: ACMG Guidelines, 2015. Collection method: clinical testing. Allele origin: germline. Affected: no.

Genome-Nilou Lab
Classification: Uncertain significance for Autosomal dominant nocturnal frontal lobe epilepsy 5. Last evaluated: 2022-03-15. Review status: criteria provided, single submitter. Criteria: ACMG Guidelines, 2015. Collection method: clinical testing. Allele origin: germline. Affected: no.

GeneDx
Classification: Uncertain significance. Last evaluated: 2017-03-27. Review status: criteria provided, single submitter. Criteria: GeneDx Variant Classification (06012015). Collection method: clinical testing. Allele origin: germline. Affected: yes.
Comment: A variant of uncertain significance has been identified in the KCNT1 gene. The I666F variant has not been published as a pathogenic variant, nor has it been reported as a benign variant to our knowledge. The I66F variant is not observed at a significant frequency in large population cohorts (Lek et al., 2016; 1000 Genomes Consortium et al., 2015; Exome Variant Server). In silico analysis predicts this variant is probably damaging to the protein structure/function. However, the I666F variant is a conservative amino acid substitution, which is not likely to impact secondary protein structure as these residues share similar properties. Additionally, this substitution occurs at a position where amino acids with similar properties to Isoleucine are tolerated across species. Therefore, based on the currently available information, it is unclear whether this variant is a pathogenic variant or a rare benign variant.